The following is an entry in ClinVar:

ClinVar aggregate classification (germline): Conflicting classifications of pathogenicity. Review status: criteria provided, conflicting classifications (1 of 4 stars). 6 submissions from 4 submitters: Uncertain significance (2); Benign (1); Likely benign (3). Last evaluated 2026-03-17.

Conditions:
Myosin storage myopathy (CMYO7A). Also called: Scapuloperoneal myopathy, MYH7-related; MYOPATHY WITH LYSIS OF TYPE I MYOFIBRILS; SCAPULOPERONEAL MUSCULAR DYSTROPHY; SCAPULOPERONEAL SYNDROME, MYOPATHIC TYPE; MYOPATHY, HYALINE BODY, AUTOSOMAL DOMINANT; MYH7-related late-onset scapuloperoneal muscular dystrophy. Identifiers: Orphanet 437572, Orphanet 636965, MedGen C1842160, MONDO:0008409, OMIM 608358.
Cardiomyopathy (CMYO). Also called: Cardiomyopathies. Identifiers: Orphanet 167848, MedGen C0878544, MONDO:0004994, HP:0001638. Inheritance: Various modes of inheritance.
MYH7-related skeletal myopathy. Also called: Myopathy, distal, 1; Laing distal myopathy; MYOPATHY, DISTAL, EARLY-ONSET, AUTOSOMAL DOMINANT; MYOPATHY, LATE DISTAL HEREDITARY; Laing early-onset distal myopathy. Identifiers: Orphanet 59135, MedGen C4552004, MONDO:0008050, OMIM 160500.
Hypertrophic cardiomyopathy 1 (CMH1). Also called: Familial hypertrophic cardiomyopathy 1; MYH7-Related Familial Hypertrophic Cardiomyopathy. Identifiers: MedGen C3495498, MONDO:0008647, OMIM 192600.
Hypertrophic cardiomyopathy. Also called: HYPERTROPHIC MYOCARDIOPATHY. Identifiers: Orphanet 217569, MedGen C0007194, MeSH D002312, MONDO:0005045, HP:0001639.

Allele frequency attached by ClinVar (database versions not stated): TOPMed 0.00001.
gnomAD v4.1: 2 of 1,614,148 alleles (0.00012%); highest among the groups gnomAD compares: East Asian, 0.0045%; no homozygotes.

Submissions (6):

Women's Health and Genetics/Laboratory Corporation of America, LabCorp
Classification: Likely benign. Last evaluated: 2026-03-17. Review status: criteria provided, single submitter. Criteria: LabCorp Variant Classification Summary - May 2015. Collection method: clinical testing. Allele origin: germline.

Color Diagnostics, LLC DBA Color Health
Classification: Likely benign for Cardiomyopathy. Last evaluated: 2024-04-15. Review status: criteria provided, single submitter. Criteria: ACMG Guidelines, 2015. Collection method: clinical testing. Allele origin: germline.

Labcorp Genetics (formerly Invitae), Labcorp
Classification: Likely benign for Hypertrophic cardiomyopathy. Last evaluated: 2020-10-14. Review status: criteria provided, single submitter. Criteria: Invitae Variant Classification Sherloc (09022015). Collection method: clinical testing. Allele origin: germline.

Illumina Laboratory Services, Illumina
Classification: Uncertain significance for Hypertrophic cardiomyopathy 1. Last evaluated: 2018-01-13. Review status: criteria provided, single submitter. Criteria: ICSL Variant Classification Criteria 13 December 2019. Collection method: clinical testing. Allele origin: germline.

Illumina Laboratory Services, Illumina
Classification: Benign for MYH7-related skeletal myopathy. Last evaluated: 2018-01-13. Review status: criteria provided, single submitter. Criteria: ICSL Variant Classification Criteria 13 December 2019. Collection method: clinical testing. Allele origin: germline.
Comment: This variant was observed in the ICSL laboratory as part of a predisposition screen in an ostensibly healthy population. It had not been previously curated by ICSL or reported in the Human Gene Mutation Database (HGMD: prior to June 1st, 2018), and was therefore a candidate for classification through an automated scoring system. Utilizing variant allele frequency, disease prevalence and penetrance estimates, and inheritance mode, an automated score was calculated to assess if this variant is too frequent to cause the disease. Based on the score and internal cut-off values, a variant classified as benign is not then subjected to further curation. The score for this variant resulted in a classification of benign for this disease.

Illumina Laboratory Services, Illumina
Classification: Uncertain significance for Myosin storage myopathy. Last evaluated: 2018-01-13. Review status: criteria provided, single submitter. Criteria: ICSL Variant Classification Criteria 13 December 2019. Collection method: clinical testing. Allele origin: germline.

NM_000257.4(MYH7):c.1671G>T (p.Leu557=)

Gene: MYH7 (myosin heavy chain 7; minus strand). Cytogenetic location: 14q11.2.
Variant type: single nucleotide variant.
Coding change: c.1671G>T on transcript NM_000257.4 (MANE Select); coding-DNA position 1671, G replaced by T.
Protein change: p.Leu557=; no amino-acid change (leucine 557 retained).
Molecular consequence: synonymous variant.
Genome position (GRCh38, 1-based): chr14:23,427,802, C>A on the plus strand (G>T on the coding strand, the complement: MYH7 is on the minus strand). VCF-style: chr14-23427802-C-A. GRCh37 (hg19) VCF-style: chr14-23897011-C-A.
Other names: c.1671G>T (LRG_384t1).
Identifiers: ClinVar variation 312912 (VCV000312912.17), dbSNP rs149386750, ClinGen allele CA029085.